The following is an entry in ClinVar:

ClinVar aggregate classification (germline): Likely benign (1 of 4 stars; one submission).

Allele frequency attached by ClinVar (database versions not stated): 1000 Genomes Project 30x 0.00062; TOPMed 0.00065; 1000 Genomes Project 0.00080; ESP Exome Variant Server 0.00031; gnomAD exomes 0.00038; ExAC 0.00041; gnomAD 0.00051.
gnomAD v4.1: 673 of 1,614,108 alleles (0.042%); highest among the groups gnomAD compares: Middle Eastern, 0.49%; 2 homozygotes.

Submission:

CeGaT Center for Human Genetics Tuebingen
Classification: Likely benign. Last evaluated: 2022-09-01. Review status: criteria provided, single submitter. Criteria: CeGaT Center For Human Genetics Tuebingen Variant Classification Criteria Version 2. Collection method: clinical testing. Allele origin: germline. Affected: yes. Observed: 1 variant allele.
Comment: KLHDC3: BP4, BP7

NM_057161.4(KLHDC3):c.258C>T (p.Asp86=)

Gene: KLHDC3 (kelch domain containing 3; plus strand). Cytogenetic location: 6p21.1.
Variant type: single nucleotide variant.
Coding change: c.258C>T on transcript NM_057161.4 (MANE Select); coding-DNA position 258, C replaced by T.
Protein change: p.Asp86=; no amino-acid change (aspartic acid 86 retained).
Molecular consequence: synonymous variant. On other transcripts: non-coding transcript variant (1).
Genome position (GRCh38, 1-based): chr6:43,017,622, C>T. VCF-style: chr6-43017622-C-T. GRCh37 (hg19) VCF-style: chr6-42985360-C-T.
Identifiers: ClinVar variation 2656571 (VCV002656571.24), dbSNP rs144375129, ClinGen allele CA3812464.